The following is an entry in ClinVar:

NM_002292.4(LAMB2):c.656A>G (p.Tyr219Cys)

Gene: LAMB2 (laminin subunit beta 2; minus strand). Cytogenetic location: 3p21.31.
Variant type: single nucleotide variant.
Coding change: c.656A>G on transcript NM_002292.4 (MANE Select); coding-DNA position 656, A replaced by G.
Protein change: p.Tyr219Cys; replaces tyrosine 219 with cysteine.
Molecular consequence: missense variant.
Genome position (GRCh38, 1-based): chr3:49,131,435, T>C on the plus strand (A>G on the coding strand, the complement: LAMB2 is on the minus strand). VCF-style: chr3-49131435-T-C. GRCh37 (hg19) VCF-style: chr3-49168868-T-C.
Other names: short protein forms Y219C.
Identifiers: ClinVar variation 1909233 (VCV001909233.5), dbSNP rs749368325, ClinGen allele CA2394856.
Genomic context (GRCh38, chr3:49,131,435, plus strand): 5'-TCACTCTGAATCCGTGAGCTGTAGGGGTCTGGGATAGGGATGGCAGGGTCCAGCACACGA[T>C]AGATGACCTGGAGAAGCAGGGAGTTCATAGTCACACTGGACCTTGCCTCAGGCCCATCAT-3'
Protein context (NP_002283.3, residues 209-229): IEPSTEGEVI[Tyr219Cys]RVLDPAIPIP

ClinVar aggregate classification (germline): Uncertain significance (1 of 4 stars; one submission).

Conditions:
LAMB2-related infantile-onset nephrotic syndrome. Also called: Nephrotic Syndrome, type 5; NEPHROTIC SYNDROME, TYPE 5, WITHOUT OCULAR ABNORMALITIES; NEPHROTIC SYNDROME, TYPE 5, WITH OCULAR ABNORMALITIES. Identifiers: Orphanet 306507, MedGen C3280113, MONDO:0013621, OMIM 614199.
Pierson syndrome. Also called: MICROCORIA-CONGENITAL NEPHROTIC SYNDROME. Identifiers: Orphanet 2670, MedGen C1836876, MONDO:0012184, OMIM 609049.

Allele frequency attached by ClinVar (database versions not stated): gnomAD 0.00001; gnomAD exomes 0.00001; TOPMed 0.00001; ExAC 0.00003.
gnomAD v4.1: 12 of 1,613,890 alleles (0.00074%); highest among the groups gnomAD compares: East Asian, 0.0045%; no homozygotes.

Submission:

Labcorp Genetics (formerly Invitae), Labcorp
Classification: Uncertain significance for LAMB2-related infantile-onset nephrotic syndrome; Pierson syndrome. Last evaluated: 2022-02-08. Review status: criteria provided, single submitter. Criteria: Invitae Variant Classification Sherloc (09022015). Collection method: clinical testing. Allele origin: germline.
Comment: This sequence change replaces tyrosine, which is neutral and polar, with cysteine, which is neutral and slightly polar, at codon 219 of the LAMB2 protein (p.Tyr219Cys). This variant is present in population databases (rs749368325, gnomAD 0.006%). This variant has not been reported in the literature in individuals affected with LAMB2-related conditions. Algorithms developed to predict the effect of missense changes on protein structure and function are either unavailable or do not agree on the potential impact of this missense change (SIFT: "Deleterious"; PolyPhen-2: "Probably Damaging"; Align-GVGD: "Class C0"). In summary, the available evidence is currently insufficient to determine the role of this variant in disease. Therefore, it has been classified as a Variant of Uncertain Significance.